The following is an entry in ClinVar:

ClinVar aggregate classification (germline): Likely benign. Review status: criteria provided, multiple submitters, no conflicts (2 of 4 stars). 2 submissions from 2 submitters: Likely benign (2). Last evaluated 2025-09-22.

Conditions:
Ehlers-Danlos syndrome, type 4 (EDSVASC). Also called: Ehlers-Danlos syndrome vascular type; Ehlers Danlos syndrome, ecchymotic type; Ehlers Danlos syndrome, arterial type; Ehlers Danlos syndrome, Sack-Barabas type; Ehlers-Danlos Syndrome Type IV. Identifiers: Orphanet 286, MedGen C0268338, MONDO:0017314, OMIM 130050.

gnomAD v4.1: 1 of 1,614,178 alleles (0.000062%); highest among the groups gnomAD compares: South Asian, 0.0011%; no homozygotes.

Submissions (2):

Labcorp Genetics (formerly Invitae), Labcorp
Classification: Likely benign for Ehlers-Danlos syndrome, type 4. Last evaluated: 2025-09-22. Review status: criteria provided, single submitter. Criteria: Invitae Variant Classification Sherloc (09022015). Collection method: clinical testing. Allele origin: germline.

All of Us Research Program, National Institutes of Health
Classification: Likely benign for Ehlers-Danlos syndrome, type 4. Last evaluated: 2024-07-29. Review status: criteria provided, single submitter. Criteria: ACMG Guidelines, 2015. Collection method: clinical testing. Allele origin: germline. Inheritance: Autosomal dominant inheritance. Observed: 1 variant allele, 1 heterozygote.
Comment: This study involves interpretation of variants in research participants for the purpose of population health screening. Participant phenotype was not available at the time of variant classification. Additional details can be found in publication PMID: 35346344, PMCID: PMC8962531

NM_000090.4(COL3A1):c.3867T>C (p.Ala1289=)

Gene: COL3A1 (collagen type III alpha 1 chain; plus strand). Cytogenetic location: 2q32.2.
Variant type: single nucleotide variant.
Coding change: c.3867T>C on transcript NM_000090.4 (MANE Select); coding-DNA position 3867, T replaced by C.
Protein change: p.Ala1289=; no amino-acid change (alanine 1289 retained).
Molecular consequence: synonymous variant.
Genome position (GRCh38, 1-based): chr2:189,010,221, T>C. VCF-style: chr2-189010221-T-C. GRCh37 (hg19) VCF-style: chr2-189874947-T-C.
Identifiers: ClinVar variation 3386496 (VCV003386496.2).
Genomic context (GRCh38, chr2:189,010,221, plus strand): 5'-TTTTTGTGACTATTCAGGAGAATACTGGGTTGACCCTAACCAAGGATGCAAATTGGATGC[T>C]ATCAAGGTATTCTGTAATATGGAAACTGGGGAAACATGCATAAGTGCCAATCCTTTGAAT-3'
Protein context (NP_000081.2, residues 1279-1299): VDPNQGCKLD[Ala1289=]IKVFCNMETG